The following is an entry in ClinVar:

ClinVar aggregate classification (germline): Pathogenic. Review status: criteria provided, multiple submitters, no conflicts (2 of 4 stars). 4 submissions from 4 submitters: Pathogenic (4). Last evaluated 2024-01-22.

Conditions:
Hereditary cancer-predisposing syndrome. Also called: Tumor predisposition; Neoplastic Syndromes, Hereditary; Hereditary Cancer Syndrome; Hereditary neoplastic syndrome. Identifiers: Orphanet 140162, MedGen C0027672, MeSH D009386, MONDO:0015356.
Familial cancer of breast. Also called: BREAST CANCER, FAMILIAL; hereditary breast carcinoma; Hereditary breast cancer. Identifiers: Orphanet 227535, MedGen C0346153, MONDO:0016419, OMIM 114480. Disease mechanism: loss of function.
Ataxia-telangiectasia syndrome (AT). Also called: Ataxia-telangiectasia; Ataxia-telangiectasia, complementation group D; AT, COMPLEMENTATION GROUP C; LOUIS-BAR SYNDROME; Cerebello-oculocutaneous telangiectasia; Immunodeficiency with ataxia telangiectasia. Identifiers: Orphanet 100, MedGen C0004135, MONDO:0008840, OMIM 208900.

Submissions (4):

Myriad Genetics, Inc.
Classification: Pathogenic for Familial cancer of breast. Last evaluated: 2024-01-22. Review status: criteria provided, single submitter. Criteria: Myriad Autosomal Dominant, Autosomal Recessive and X-Linked Classification Criteria (2023). Collection method: clinical testing. Allele origin: unknown.
Comment: This variant is considered pathogenic. This variant creates a termination codon and is predicted to result in premature protein truncation.

Ambry Genetics
Classification: Pathogenic for Hereditary cancer-predisposing syndrome. Last evaluated: 2023-07-08. Review status: criteria provided, single submitter. Criteria: Ambry Variant Classification Scheme 2023. Collection method: clinical testing. Allele origin: germline.
Comment: The c.3609delT pathogenic mutation, located in coding exon 24 of the ATM gene, results from a deletion of one nucleotide at nucleotide position 3609, causing a translational frameshift with a predicted alternate stop codon (p.Y1203*). This variant is considered to be rare based on population cohorts in the Genome Aggregation Database (gnomAD). In addition to the clinical data presented in the literature, this alteration is expected to result in loss of function by premature protein truncation or nonsense-mediated mRNA decay. As such, this alteration is interpreted as a disease-causing mutation.

Labcorp Genetics (formerly Invitae), Labcorp
Classification: Pathogenic for Ataxia-telangiectasia syndrome. Last evaluated: 2021-01-13. Review status: criteria provided, single submitter. Criteria: Invitae Variant Classification Sherloc (09022015). Collection method: clinical testing. Allele origin: germline.
Comment: For these reasons, this variant has been classified as Pathogenic. Loss-of-function variants in ATM are known to be pathogenic (PMID: 23807571, 25614872). This variant has been observed in a family affected with gastric cancer (PMID: 26506520). ClinVar contains an entry for this variant (Variation ID: 490541). This variant is not present in population databases (ExAC no frequency). This sequence change creates a premature translational stop signal (p.Tyr1203*) in the ATM gene. It is expected to result in an absent or disrupted protein product.

Color Diagnostics, LLC DBA Color Health
Classification: Pathogenic for Hereditary cancer-predisposing syndrome. Last evaluated: 2020-05-13. Review status: criteria provided, single submitter. Criteria: ACMG Guidelines, 2015. Collection method: clinical testing. Allele origin: germline.
Comment: This variant deletes 1 nucleotide in exon 25 of the ATM gene, creating a frameshift and premature translation stop signal. This variant is expected to result in an absent or non-functional protein product. To our knowledge, this variant has not been reported in individuals affected with hereditary cancer in the literature. This variant has not been identified in the general population by the Genome Aggregation Database (gnomAD). Loss of ATM function is a known mechanism of disease. Based on the available evidence, this variant is classified as Pathogenic.

Literature cited by the submitters: PubMed 26506520 (cited by Ambry Genetics and Labcorp Genetics (formerly Invitae), Labcorp); PubMed 35171259 (cited by Ambry Genetics); PubMed 23807571 (cited by Labcorp Genetics (formerly Invitae), Labcorp); PubMed 25614872 (cited by Labcorp Genetics (formerly Invitae), Labcorp).

NM_000051.4(ATM):c.3609del (p.Gly1202_Tyr1203insTer)

Gene: ATM (ATM serine/threonine kinase; plus strand). Cytogenetic location: 11q22.3.
Variant type: Deletion.
Coding change: c.3609del on transcript NM_000051.4 (MANE Select); coding-DNA position 3609, one base deleted (T; older notation c.3609delT).
Protein change: p.Gly1202_Tyr1203insTer.
Molecular consequence: nonsense.
Genome position (GRCh38, 1-based): chr11:108,282,742, T deleted. VCF-style (leftmost placement, unchanged base first): chr11-108282741-AT-A. GRCh37 (hg19) VCF-style: chr11-108153468-AT-A.
Other names: c.3609delT (NM_000051.3); c.3609del, p.Gly1202_Tyr1203insTer (NM_001351834.2).
Identifiers: ClinVar variation 490541 (VCV000490541.14), dbSNP rs1555092297, ClinGen allele CA658683109.